The following is an entry in ClinVar:

ClinVar aggregate classification (germline): Uncertain significance (1 of 4 stars; one submission).

Allele frequency attached by ClinVar (database versions not stated): ExAC 0.00001; TOPMed 0.00003; gnomAD exomes 0.00003; gnomAD 0.00004.
gnomAD v4.1: 54 of 1,613,912 alleles (0.0033%); highest among the groups gnomAD compares: East Asian, 0.0045%; no homozygotes.

Submission:

Labcorp Genetics (formerly Invitae), Labcorp
Classification: Uncertain significance. Last evaluated: 2025-04-17. Review status: criteria provided, single submitter. Criteria: Invitae Variant Classification Sherloc (09022015). Collection method: clinical testing. Allele origin: germline.
Comment: This sequence change replaces valine, which is neutral and non-polar, with isoleucine, which is neutral and non-polar, at codon 970 of the FOCAD protein (p.Val970Ile). This variant is present in population databases (rs775372199, gnomAD 0.004%). This variant has not been reported in the literature in individuals affected with FOCAD-related conditions. ClinVar contains an entry for this variant (Variation ID: 2701384). An algorithm developed to predict the effect of missense changes on protein structure and function outputs the following: PolyPhen-2: "Not Available". The isoleucine amino acid residue is found in multiple mammalian species, which suggests that this missense change does not adversely affect protein function. In summary, the available evidence is currently insufficient to determine the role of this variant in disease. Therefore, it has been classified as a Variant of Uncertain Significance.

NM_001375567.1(FOCAD):c.2908G>A (p.Val970Ile)

Gene: FOCAD (focadhesin; plus strand). Cytogenetic location: 9p21.3.
Variant type: single nucleotide variant.
Coding change: c.2908G>A on transcript NM_001375567.1 (MANE Select); coding-DNA position 2908, G replaced by A.
Protein change: p.Val970Ile; replaces valine 970 with isoleucine.
Molecular consequence: missense variant.
Genome position (GRCh38, 1-based): chr9:20,923,715, G>A. VCF-style: chr9-20923715-G-A. GRCh37 (hg19) VCF-style: chr9-20923714-G-A.
Other names: c.2803G>A, p.Val935Ile (NM_001375568.1, NM_001375570.1); c.2908G>A, p.Val970Ile (NM_017794.5); short protein forms V935I, V970I.
Identifiers: ClinVar variation 2701384 (VCV002701384.3), dbSNP rs775372199, ClinGen allele CA5007335.